The following is an entry in ClinVar:

ClinVar aggregate classification (germline): Uncertain significance (1 of 4 stars; one submission).

Conditions:
Pulmonary fibrosis and/or bone marrow failure, Telomere-related, 3. Also called: PULMONARY FIBROSIS AND/OR BONE MARROW FAILURE SYNDROME, TELOMERE-RELATED, 3. Identifiers: Orphanet 2032, MedGen C4225346, MONDO:0014613, OMIM 616373.
Dyskeratosis congenita, autosomal recessive 5 (DKCB5). Identifiers: MedGen C3554656, MONDO:0014076, OMIM 615190.

Allele frequency attached by ClinVar (database versions not stated): TOPMed below 0.00001; gnomAD 0.00001; gnomAD exomes 0.00002; ExAC 0.00006.
gnomAD v4.1: 24 of 1,566,168 alleles (0.0015%); highest among the groups gnomAD compares: South Asian, 0.014%; no homozygotes.

Submission:

Labcorp Genetics (formerly Invitae), Labcorp
Classification: Uncertain significance for Dyskeratosis congenita, autosomal recessive 5; Pulmonary fibrosis and/or bone marrow failure, Telomere-related, 3. Last evaluated: 2023-12-22. Review status: criteria provided, single submitter. Criteria: Invitae Variant Classification Sherloc (09022015). Collection method: clinical testing. Allele origin: germline.
Comment: This sequence change falls in intron 17 of the RTEL1 gene. It does not directly change the encoded amino acid sequence of the RTEL1 protein. It affects a nucleotide within the consensus splice site. The frequency data for this variant in the population databases is considered unreliable, as metrics indicate poor data quality at this position in the gnomAD database. This variant has not been reported in the literature in individuals affected with RTEL1-related conditions. ClinVar contains an entry for this variant (Variation ID: 2157393). Variants that disrupt the consensus splice site are a relatively common cause of aberrant splicing (PMID: 17576681, 9536098). Algorithms developed to predict the effect of sequence changes on RNA splicing suggest that this variant is not likely to affect RNA splicing. In summary, the available evidence is currently insufficient to determine the role of this variant in disease. Therefore, it has been classified as a Variant of Uncertain Significance.

Literature cited by the submitters: PubMed 17576681; PubMed 9536098.

NM_001283009.2(RTEL1):c.1481+4C>T

Genes: RTEL1 (regulator of telomere elongation helicase 1; plus strand), RTEL1-TNFRSF6B (RTEL1-TNFRSF6B readthrough (NMD candidate); plus strand). Cytogenetic location: 20q13.33.
Variant type: single nucleotide variant.
Coding change: c.1481+4C>T on transcript NM_001283009.2 (MANE Select); 4 bases into the intron after coding-DNA position 1481, C replaced by T.
Molecular consequence: intron variant.
Genome position (GRCh38, 1-based): chr20:63,687,774, C>T. VCF-style: chr20-63687774-C-T. GRCh37 (hg19) VCF-style: chr20-62319127-C-T.
Other names: c.812+4C>T (NM_001283010.1); c.1553+4C>T (NM_032957.5); c.1481+4C>T (NM_016434.4).
Identifiers: ClinVar variation 2157393 (VCV002157393.4), dbSNP rs750784510, ClinGen allele CA9964801.